The following is an entry in ClinVar:

ClinVar aggregate classification (germline): Uncertain significance (1 of 4 stars; one submission).

Submission:

GeneDx
Classification: Uncertain significance. Last evaluated: 2024-08-05. Review status: criteria provided, single submitter. Criteria: GeneDx Variant Classification Process June 2021. Collection method: clinical testing. Allele origin: germline. Affected: yes.
Comment: Not observed at significant frequency in large population cohorts (gnomAD); In silico analysis indicates that this missense variant does not alter protein structure/function; Has not been previously published as pathogenic or benign to our knowledge

NM_031407.7(HUWE1):c.3701C>A (p.Pro1234His)

Genes: HUWE1 (HECT, UBA and WWE domain containing E3 ubiquitin protein ligase 1; minus strand), LOC126863263 (BRD4-independent group 4 enhancer GRCh37_chrX:53619238-53620437; plus strand). Cytogenetic location: Xp11.22.
Variant type: single nucleotide variant.
Coding change: c.3701C>A on transcript NM_031407.7 (MANE Select); coding-DNA position 3701, C replaced by A.
Protein change: p.Pro1234His; replaces proline 1234 with histidine.
Molecular consequence: missense variant.
Genome position (GRCh38, 1-based): chrX:53,593,404, G>T on the plus strand (C>A on the coding strand, the complement: HUWE1 is on the minus strand). VCF-style: chrX-53593404-G-T. GRCh37 (hg19) VCF-style: chrX-53620364-G-T.
Other names: short protein forms P1234H.
Identifiers: ClinVar variation 3603109 (VCV003603109.1).
Genomic context (GRCh38, chrX:53,593,404, plus strand): 5'-TTAGAATACTGAATACTCACTTTCTGAGTTACCACAAGGAAGCGCAGTGCACTGAACTGG[G>T]GAAAGTTCTGGACACCTCCAGGCAATTTGGCAGGCAGCGAATGTGGAGATTCAAGCACCG-3'
Protein context (NP_113584.3, residues 1224-1244): AKLPGGVQNF[Pro1234His]QFSALRFLVV